The following is an entry in ClinVar:

ClinVar aggregate classification (germline): Pathogenic/Likely pathogenic. Review status: criteria provided, multiple submitters, no conflicts (2 of 4 stars). 19 submissions from 17 submitters: Pathogenic (11); Likely pathogenic (4). 4 of the submissions do not count toward it. Last evaluated 2026-04-28.

Conditions:
Luscan-Lumish syndrome. Identifiers: Orphanet 597738, MedGen C4085873, MONDO:0014791, OMIM 616831.
Isolated cerebellar hypoplasia/agenesis (CHEGDD). Also called: Cerebellar hypoplasia/atrophy, epilepsy, and global developmental delay. Identifiers: Orphanet 1398, Orphanet 2246, MedGen C5231391, MONDO:0008939, OMIM 213000.
Rabin-Pappas syndrome. Identifiers: MedGen C5774269, MONDO:0859331, OMIM 620155.
Intellectual developmental disorder, autosomal dominant 70. Identifiers: MedGen C5774271, MONDO:0859333, OMIM 620157.
Corpus callosum, agenesis of. Also called: Corpus callosum agenesis; Mental retardation hypoplastic corpus callosum preauricular tag; Da silva syndrome; Isolated corpus callosum agenesis; Agenesis of the corpus callosum. Identifiers: Orphanet 200, MedGen C0175754, MONDO:0009022, OMIM 217990, HP:0001274.
Cerebellar vermis hypoplasia. Identifiers: MedGen C1840379, HP:0001320.
SETD2-related disorder.
Inborn genetic diseases. Identifiers: MedGen C0950123, MeSH D030342.
SETD2 associated neurodevelopmental disorder with multiple congenital anomalies.

Submissions 1 to 10 of 19:

Wales Gene Park, Division Of Cancer and Genetics, Cardiff University
Classification: Pathogenic for Intellectual developmental disorder, autosomal dominant 70. Last evaluated: 2026-04-28. Review status: criteria provided, single submitter. Criteria: ACGS Best Practice Guidelines for Variant Classification in Rare Disease 2024. Collection method: research. Allele origin: de novo. Inheritance: Autosomal dominant inheritance. Affected: yes. Study: 100,000 Genomes Project (Wales).
Comment: De novo SETD2 missense variant detected by trio genome sequencing. Not in gnomAD (v4.1.1). REVEL score 0.741. Reported de novo multiple times in literature and ClinVar. Another missense change at same residue reported in ClinVar as pathogenic (p.Arg1740Gln, Accession: VCV001338780.5). Evidence codes: PM2, PM5, PP2, PP3, PS2_strong.

New York Genome Center
Classification: Pathogenic for Rabin-Pappas syndrome; Luscan-Lumish syndrome; Intellectual developmental disorder, autosomal dominant 70. Last evaluated: 2024-12-11. Review status: criteria provided, single submitter. Criteria: NYGC Assertion Criteria 2020. Collection method: clinical testing. Allele origin: germline. Affected: yes. Observed: 1 variant allele, 1 heterozygote.
Comment: The heterozygous c.5218C>T (p. Arg1740Trp) missense variant identified in exon 10 (of 21) of the SETD2 gene has been reported de novo in more than 10 individuals affected with SETD2-NDD with MCA [PMID: 32710489, 34958143]. A different missense variant affecting the same codon Arg1740 (p.(Arg1740Gln)) has also been reported in affected 3 individuals [PMID: 32710489]. The c.5218C>T (p. Arg1740Trp) variant is absent from population databases (gnomADv4.1.0, All of Us) suggesting it is not a common benign variant in the populations represented in those databases. This variant has been reported in the ClinVar (VarID:388568) as Pathogenic/Likely Pathogenic. The variant affects an evolutionarily conserved residue and is predicted deleterious by multiple in silico prediction tools (CADD score =27.2and REVEL score = 0.741). Based on the available evidence, the heterozygous c.5218C>T (p.Arg1740Trp) variant identified in the SETD2 gene is reported as Pathogenic.

Revvity Omics, Revvity
Classification: Pathogenic. Last evaluated: 2024-01-03. Review status: criteria provided, single submitter. Criteria: ACMG Guidelines, 2015. Collection method: clinical testing. Allele origin: germline.

Labcorp Genetics (formerly Invitae), Labcorp
Classification: Pathogenic for Luscan-Lumish syndrome. Last evaluated: 2023-02-21. Review status: criteria provided, single submitter. Criteria: Invitae Variant Classification Sherloc (09022015). Collection method: clinical testing. Allele origin: germline.
Comment: This sequence change replaces arginine, which is basic and polar, with tryptophan, which is neutral and slightly polar, at codon 1740 of the SETD2 protein (p.Arg1740Trp). For these reasons, this variant has been classified as Pathogenic. Advanced modeling of protein sequence and biophysical properties (such as structural, functional, and spatial information, amino acid conservation, physicochemical variation, residue mobility, and thermodynamic stability) performed at Invitae indicates that this missense variant is expected to disrupt SETD2 protein function. ClinVar contains an entry for this variant (Variation ID: 388568). This missense change has been observed in individual(s) with SETD2-related conditions (PMID: 31474318, 32710489). In at least one individual the variant was observed to be de novo. This variant is not present in population databases (gnomAD no frequency).

PreventionGenetics, part of Exact Sciences
Classification: Pathogenic for SETD2-related condition. Last evaluated: 2023-01-03. Review status: criteria provided, single submitter. Criteria: ACMG Guidelines, 2015. Collection method: clinical testing. Allele origin: germline.
Comment: The SETD2 c.5218C>T variant is predicted to result in the amino acid substitution p.Arg1740Trp. This variant was reported to be a recurrent de novo variant in more than 10 individuals with Rabin-Pappas syndrome (Rabin et al. 2020. PubMed ID: 32710489). This variant has not been reported in a large population database, indicating this variant is rare. This variant is interpreted as pathogenic.

GeneDx
Classification: Pathogenic. Last evaluated: 2022-11-29. Review status: criteria provided, single submitter. Criteria: GeneDx Variant Classification Process June 2021. Collection method: clinical testing. Allele origin: germline. Affected: yes.
Comment: Not observed at significant frequency in large population cohorts (gnomAD); In silico analysis supports that this missense variant has a deleterious effect on protein structure/function; This variant is associated with the following publications: (PMID: 31474318, 34958143, 33004838, 32710489)

Blueprint Genetics
Classification: Pathogenic for SETD2-related disorders. Last evaluated: 2022-09-02. Review status: criteria provided, single submitter. Criteria: ACMG Guidelines, 2015. Collection method: clinical testing. Allele origin: germline. Affected: yes. Observed: 1 variant allele.

New York Genome Center
Classification: Pathogenic for SETD2 associated neurodevelopmental disorder with multiple congenital anomalies. Last evaluated: 2022-02-03. Review status: criteria provided, single submitter. Criteria: NYGC Assertion Criteria 2020. Collection method: clinical testing. Allele origin: de novo. Affected: yes. Observed: 1 heterozygote. Study: PrenatalSEQ.
Comment: The de novo c.5218C>T (p. Arg1740Trp) missense variant identified in exon 10 (of 21) of the SETD2 gene has been reported as heterozygous de novo in at least 12 individuals affected with SETD2-NDD with MCA [PMID: 32710489; group1 in the article]. A different missense variant (p.Arg1740Gln) affecting the same codon Arg1740 has been reported in 3 individuals (PMID: 32710489; group2 in the article). The c.5218C>T (p. Arg1740Trp) variant is absent from gnomAD(v3) database suggesting it is not a common benign variant in the populations represented in that database. This variant has been reported in the ClinVar database with conflicting interpretations of pathogenicity [likely pathogenic (3), pathogenic (2), and variant of uncertain significance (1). Variation ID: 388568]. The variant affects an evolutionarily conserved residue and is predicted deleterious by multiple in silico prediction tools (CADD score = 27.2 and REVEL score = 0.741). Based on the available evidence, the de novo c.5218C>T (p.Arg1740Trp) variant identified in the SETD2 gene is reported as Pathogenic.

Daryl Scott Lab, Baylor College of Medicine
Classification: Pathogenic for Luscan-Lumish syndrome. Last evaluated: 2022-02-01. Review status: criteria provided, single submitter. Criteria: ACMG Guidelines, 2015. Collection method: clinical testing. Allele origin: de novo. Affected: yes. Observed: 1 variant allele.

Ambry Genetics
Classification: Pathogenic for Inborn genetic diseases. Last evaluated: 2021-05-18. Review status: criteria provided, single submitter. Criteria: Ambry Variant Classification Scheme 2023. Collection method: clinical testing. Allele origin: germline.
Comment: The c.5218C>T (p.R1740W) alteration is located in coding exon 10 of the SETD2 gene. This alteration results from a C to T substitution at nucleotide position 5218, causing the arginine (R) at amino acid position 1740 to be replaced by a tryptophan (W). Based on data from the Genome Aggregation Database (gnomAD), the SETD2 c.5218C>T alteration was not observed, with coverage at this position. A retrospective report of this alteration showed that it was de novo in 12 patients and all were reported to have failure to thrive in infancy, feeding difficulties, severe intellectual disability, microcephaly, hypotonia, hypertelorism, micrognathia, hypoplasia of the corpus callosum and pons, cerebellar hypoplasia, and various skeletal abnormalities. Many also had congenital heart defects, genitourinary tract anomalies, hearing loss, retinal telangiectasia, and other dysmorphic features. Alterations affecting the same amino acid, p.R1740Q, were reported de novo in three patients with a milder phenotype including moderate to severe intellectual disability, low to normal head circumference, and absence of additional major congenital anomalies (Rabin, 2020). This amino acid position is highly conserved in available vertebrate species. The p.R1740W alteration is predicted to be deleterious by in silico analysis. Based on the available evidence, this alteration is classified as pathogenic.

NM_014159.7(SETD2):c.5218C>T (p.Arg1740Trp)

Gene: SETD2 (SET domain containing 2, histone lysine methyltransferase; minus strand). Cytogenetic location: 3p21.31.
Variant type: single nucleotide variant.
Coding change: c.5218C>T on transcript NM_014159.7 (MANE Select); coding-DNA position 5218, C replaced by T.
Protein change: p.Arg1740Trp; replaces arginine 1740 with tryptophan.
Molecular consequence: missense variant. On other transcripts: non-coding transcript variant (1).
Genome position (GRCh38, 1-based): chr3:47,088,172, G>A on the plus strand (C>T on the coding strand, the complement: SETD2 is on the minus strand). VCF-style: chr3-47088172-G-A. GRCh37 (hg19) VCF-style: chr3-47129662-G-A.
Other names: c.5086C>T, p.Arg1696Trp (NM_001349370.3); short protein forms R1740W, R1696W.
Identifiers: ClinVar variation 388568 (VCV000388568.29), dbSNP rs1057523157, ClinGen allele CA16604601.